The following is an entry in ClinVar:

ClinVar aggregate classification (germline): Likely benign (0 of 4 stars; one submission).

Conditions:
MYT1-related disorder. Also called: MYT1-related condition.

Allele frequency attached by ClinVar (database versions not stated): gnomAD exomes 0.00008; ExAC 0.00015; gnomAD 0.00031; TOPMed 0.00037; ESP Exome Variant Server 0.00069.
gnomAD v4.1: 168 of 1,612,906 alleles (0.01%); highest among the groups gnomAD compares: African/African-American, 0.073%; no homozygotes.

Submission:

PreventionGenetics, part of Exact Sciences
Classification: Likely benign for MYT1-related condition. Last evaluated: 2019-03-18. Review status: no assertion criteria provided. Collection method: clinical testing. Allele origin: germline.
Comment: This variant is classified as likely benign based on ACMG/AMP sequence variant interpretation guidelines (Richards et al. 2015 PMID: 25741868, with internal and published modifications).

NM_004535.3(MYT1):c.2868C>T (p.His956=)

Gene: MYT1 (myelin transcription factor 1; plus strand). Cytogenetic location: 20q13.33.
Variant type: single nucleotide variant.
Coding change: c.2868C>T on transcript NM_004535.3 (MANE Select); coding-DNA position 2868, C replaced by T.
Protein change: p.His956=; no amino-acid change (histidine 956 retained).
Molecular consequence: synonymous variant.
Genome position (GRCh38, 1-based): chr20:64,232,356, C>T. VCF-style: chr20-64232356-C-T. GRCh37 (hg19) VCF-style: chr20-62863709-C-T.
Identifiers: ClinVar variation 3046928 (VCV003046928.2), dbSNP rs144371248, ClinGen allele CA9975342.